The following is an entry in ClinVar:

NM_021067.5(GINS1):c.34G>A (p.Glu12Lys)

Genes: GINS1 (GINS complex subunit 1; plus strand), LOC130065587 (ATAC-STARR-seq lymphoblastoid active region 17669; plus strand). Cytogenetic location: 20p11.21.
Variant type: single nucleotide variant.
Coding change: c.34G>A on transcript NM_021067.5 (MANE Select); coding-DNA position 34, G replaced by A.
Protein change: p.Glu12Lys; replaces glutamic acid 12 with lysine.
Molecular consequence: missense variant. On other transcripts: non-coding transcript variant (1).
Genome position (GRCh38, 1-based): chr20:25,407,854, G>A. VCF-style: chr20-25407854-G-A. GRCh37 (hg19) VCF-style: chr20-25388490-G-A.
Other names: c.34G>A, p.Glu12Lys (NM_001410830.1, NM_001410831.1); short protein forms E12K.
Identifiers: ClinVar variation 4764106 (VCV004764106.1).

ClinVar aggregate classification (germline): Uncertain significance (1 of 4 stars; one submission).

gnomAD v4.1: 1 of 1,613,988 alleles (0.000062%); highest among the groups gnomAD compares: South Asian, 0.0011%; no homozygotes.

Submission:

Labcorp Genetics (formerly Invitae), Labcorp
Classification: Uncertain significance. Last evaluated: 2025-10-21. Review status: criteria provided, single submitter. Criteria: Invitae Variant Classification Sherloc (09022015). Collection method: clinical testing. Allele origin: germline.
Comment: This sequence change replaces glutamic acid, which is acidic and polar, with lysine, which is basic and polar, at codon 12 of the GINS1 protein (p.Glu12Lys). This variant is present in population databases (no rsID available, gnomAD 0.003%). This variant has not been reported in the literature in individuals affected with GINS1-related conditions. An algorithm developed to predict the effect of missense changes on protein structure and function (PolyPhen-2) suggests that this variant is likely to be disruptive. In summary, the available evidence is currently insufficient to determine the role of this variant in disease. Therefore, it has been classified as a Variant of Uncertain Significance.